The following is an entry in ClinVar:

NM_001367943.1(TCF7L2):c.451-6C>T

Gene: TCF7L2 (transcription factor 7 like 2; plus strand). Cytogenetic location: 10q25.2.
Variant type: single nucleotide variant.
Coding change: c.451-6C>T on transcript NM_001367943.1 (MANE Select); 6 bases into the intron before coding-DNA position 451, C replaced by T.
Molecular consequence: intron variant.
Genome position (GRCh38, 1-based): chr10:113,040,019, C>T. VCF-style: chr10-113040019-C-T. GRCh37 (hg19) VCF-style: chr10-114799778-C-T.
Other names: c.451-6C>T (NM_001363501.2, NM_001146274.2, NM_001198531.2); c.382-6C>T (NM_001146283.2, NM_001198525.2, NM_001198528.2 and 8 more transcripts); c.381+88412C>T (NM_001198530.2).
Identifiers: ClinVar variation 2221608 (VCV002221608.4), dbSNP rs377724519, ClinGen allele CA5692842.

ClinVar aggregate classification (germline): Likely benign. Review status: criteria provided, single submitter (1 of 4 stars). 2 submissions from 2 submitters: Likely benign (1). 1 of the submissions does not count toward it. Last evaluated 2022-03-07.

Conditions:
Inborn genetic diseases. Identifiers: MedGen C0950123, MeSH D030342.
TCF7L2-related disorder. Also called: TCF7L2-related condition.

Allele frequency attached by ClinVar (database versions not stated): ExAC 0.00007; TOPMed 0.00012; gnomAD 0.00014; ESP Exome Variant Server 0.00015; gnomAD exomes 0.00017.
gnomAD v4.1: 257 of 1,611,570 alleles (0.016%); highest among the groups gnomAD compares: Middle Eastern, 0.049%; no homozygotes.

Submissions (2):

Ambry Genetics
Classification: Likely benign for Inborn genetic diseases. Last evaluated: 2022-03-07. Review status: criteria provided, single submitter. Criteria: Ambry Variant Classification Scheme 2023. Collection method: clinical testing. Allele origin: germline.

PreventionGenetics, part of Exact Sciences
Classification: Likely benign for TCF7L2-related condition. Last evaluated: 2019-07-12. Review status: no assertion criteria provided. Collection method: clinical testing. Allele origin: germline. Not counted in ClinVar's aggregate classification.
Comment: This variant is classified as likely benign based on ACMG/AMP sequence variant interpretation guidelines (Richards et al. 2015 PMID: 25741868, with internal and published modifications).